The following is an entry in ClinVar:

NM_177972.3(TUB):c.641A>G (p.Asn214Ser)

Genes: RIC3 (RIC3 acetylcholine receptor chaperone; minus strand), TUB (TUB bipartite transcription factor; plus strand). Cytogenetic location: 11p15.4.
Variant type: single nucleotide variant.
Coding change: c.641A>G on transcript NM_177972.3 (MANE Select); coding-DNA position 641, A replaced by G.
Protein change: p.Asn214Ser; replaces asparagine 214 with serine.
Molecular consequence: missense variant.
Genome position (GRCh38, 1-based): chr11:8,096,760, A>G. VCF-style: chr11-8096760-A-G. GRCh37 (hg19) VCF-style: chr11-8118307-A-G.
Other names: c.806A>G (NM_003320.4); c.806A>G, p.Asn269Ser (NM_003320.5); short protein forms N214S, N269S.
Identifiers: ClinVar variation 1050862 (VCV001050862.10), dbSNP rs369363661, ClinGen allele CA5871174.

ClinVar aggregate classification (germline): Uncertain significance. Review status: criteria provided, multiple submitters, no conflicts (2 of 4 stars). 4 submissions from 4 submitters: Uncertain significance (2). 2 of the submissions do not count toward it. Last evaluated 2022-08-11.

Conditions:
Retinal dystrophy. Also called: Inherited retinal dystrophy. Identifiers: Orphanet 71862, MedGen C0854723, MeSH D058499, MONDO:0019118, HP:0000556.
TUB-related disorder. Also called: TUB-related condition.

Allele frequency attached by ClinVar (database versions not stated): TOPMed 0.00002; gnomAD 0.00003 and 0.00004; gnomAD exomes 0.00003 and 0.00010; ESP Exome Variant Server 0.00008; ExAC 0.00009.
gnomAD v4.1: 53 of 1,613,996 alleles (0.0033%); highest among the groups gnomAD compares: Middle Eastern, 0.016%; no homozygotes.

Submissions (4):

Labcorp Genetics (formerly Invitae), Labcorp
Classification: Uncertain significance. Last evaluated: 2022-08-11. Review status: criteria provided, single submitter. Criteria: Invitae Variant Classification Sherloc (09022015). Collection method: clinical testing. Allele origin: germline.
Comment: This sequence change replaces asparagine, which is neutral and polar, with serine, which is neutral and polar, at codon 269 of the TUB protein (p.Asn269Ser). This variant is present in population databases (rs369363661, gnomAD 0.2%). This variant has not been reported in the literature in individuals affected with TUB-related conditions. ClinVar contains an entry for this variant (Variation ID: 1050862). Algorithms developed to predict the effect of missense changes on protein structure and function are either unavailable or do not agree on the potential impact of this missense change (SIFT: "Tolerated"; PolyPhen-2: "Probably Damaging"; Align-GVGD: "Class C0"). In summary, the available evidence is currently insufficient to determine the role of this variant in disease. Therefore, it has been classified as a Variant of Uncertain Significance.

Blueprint Genetics
Classification: Uncertain significance. Last evaluated: 2019-10-04. Review status: criteria provided, single submitter. Criteria: ACMG Guidelines, 2015. Collection method: clinical testing. Allele origin: germline.

PreventionGenetics, part of Exact Sciences
Classification: Likely benign for TUB-related condition. Last evaluated: 2024-09-05. Review status: no assertion criteria provided. Collection method: clinical testing. Allele origin: germline. Not counted in ClinVar's aggregate classification.
Comment: This variant is classified as likely benign based on ACMG/AMP sequence variant interpretation guidelines (Richards et al. 2015 PMID: 25741868, with internal and published modifications).

Institute of Human Genetics, Univ. Regensburg, Univ. Regensburg
Classification: Uncertain significance for Retinal dystrophy. Last evaluated: 2022-01-01. Review status: no assertion criteria provided. Criteria: ACMG Guidelines, 2015. Collection method: clinical testing. Allele origin: germline. Affected: yes. Not counted in ClinVar's aggregate classification.